The following is an entry in ClinVar:

NM_152296.5(ATP1A3):c.295A>G (p.Ile99Val)

Gene: ATP1A3 (ATPase Na+/K+ transporting subunit alpha 3; minus strand). Cytogenetic location: 19q13.2.
Variant type: single nucleotide variant.
Coding change: c.295A>G on transcript NM_152296.5 (MANE Select); coding-DNA position 295, A replaced by G.
Protein change: p.Ile99Val; replaces isoleucine 99 with valine.
Molecular consequence: missense variant.
Genome position (GRCh38, 1-based): chr19:41,987,998, T>C on the plus strand (A>G on the coding strand, the complement: ATP1A3 is on the minus strand). VCF-style: chr19-41987998-T-C. GRCh37 (hg19) VCF-style: chr19-42492150-T-C.
Other names: c.328A>G, p.Ile110Val (NM_001256213.2); c.334A>G, p.Ile112Val (NM_001256214.2); c.295A>G (NM_152296.4); short protein forms I110V, I112V, I99V.
Identifiers: ClinVar variation 1060255 (VCV001060255.9), dbSNP rs958239123, ClinGen allele CA308598991.

ClinVar aggregate classification (germline): Uncertain significance. Review status: criteria provided, multiple submitters, no conflicts (2 of 4 stars). 2 submissions from 2 submitters: Uncertain significance (2). Last evaluated 2025-12-03.

Conditions:
Dystonia 12 (DYT12). Also called: DYT-ATP1A3; Rapid-Onset Dystonia-Parkinsonism (RDP). Identifiers: Orphanet 71517, MedGen C1868681, MONDO:0007496, OMIM 128235.

Allele frequency attached by ClinVar (database versions not stated): gnomAD exomes below 0.00001.

Submissions (2):

Labcorp Genetics (formerly Invitae), Labcorp
Classification: Uncertain significance for Dystonia 12. Last evaluated: 2025-12-03. Review status: criteria provided, single submitter. Criteria: Invitae Variant Classification Sherloc (09022015). Collection method: clinical testing. Allele origin: germline.
Comment: This sequence change replaces isoleucine, which is neutral and non-polar, with valine, which is neutral and non-polar, at codon 99 of the ATP1A3 protein (p.Ile99Val). This variant is not present in population databases (gnomAD no frequency). This variant has not been reported in the literature in individuals affected with ATP1A3-related conditions. ClinVar contains an entry for this variant (Variation ID: 1060255). Invitae Evidence Modeling of protein sequence and biophysical properties (such as structural, functional, and spatial information, amino acid conservation, physicochemical variation, residue mobility, and thermodynamic stability) has been performed for this missense variant. However, the output from this modeling did not meet the statistical confidence thresholds required to predict the impact of this variant on ATP1A3 protein function. In summary, the available evidence is currently insufficient to determine the role of this variant in disease. Therefore, it has been classified as a Variant of Uncertain Significance.

GeneDx
Classification: Uncertain significance. Last evaluated: 2023-02-20. Review status: criteria provided, single submitter. Criteria: GeneDx Variant Classification Process June 2021. Collection method: clinical testing. Allele origin: germline. Affected: yes.
Comment: Not observed at significant frequency in large population cohorts (gnomAD); In silico analysis supports that this missense variant does not alter protein structure/function; Has not been previously published as pathogenic or benign to our knowledge